The following is an entry in ClinVar:

ClinVar aggregate classification (germline): Benign. Review status: criteria provided, multiple submitters, no conflicts (2 of 4 stars). 13 submissions from 8 submitters: Benign (13). Last evaluated 2026-02-03.

Conditions:
Inborn genetic diseases. Identifiers: MedGen C0950123, MeSH D030342.
Hereditary cryohydrocytosis with reduced stomatin. Also called: Stomatin-deficient cryohydrocytosis with neurologic defects; GLUT1 DEFICIENCY SYNDROME WITH PSEUDOHYPERKALEMIA AND HEMOLYSIS. Identifiers: Orphanet 168577, MedGen C1837206, MONDO:0012143, OMIM 608885.
GLUT1 deficiency syndrome 1, autosomal recessive. Identifiers: MedGen C3149117.
Childhood onset GLUT1 deficiency syndrome 2. Also called: PAROXYSMAL EXERCISE-INDUCED DYSKINESIA WITH OR WITHOUT EPILEPSY AND/OR HEMOLYTIC ANEMIA; PAROXYSMAL EXERTION-INDUCED DYSTONIA WITH OR WITHOUT EPILEPSY AND/OR HEMOLYTIC ANEMIA; PED WITH OR WITHOUT EPILEPSY AND/OR HEMOLYTIC ANEMIA; Paroxysmal exercise-induced dystonia; GLUT1 deficiency syndrome 2; Exertion-induced paroxysmal dyskinesia. Identifiers: Orphanet 98811, MedGen C1842534, MONDO:0012805, OMIM 612126.
Epilepsy, idiopathic generalized, susceptibility to, 12 (EIG12). Identifiers: MedGen C3553859, MONDO:0013919, OMIM 614847.
Dystonia 9 (DYT9). Also called: CHOREOATHETOSIS, KINESIGENIC, WITH EPISODIC ATAXIA AND SPASTICITY. Identifiers: Orphanet 53583, MedGen C1832855, MONDO:0010983, OMIM 601042.
Encephalopathy due to GLUT1 deficiency. Also called: GLUCOSE TRANSPORT DEFECT, BLOOD-BRAIN BARRIER; De Vivo disease; Glucose transporter protein syndrome; Classic Glucose Transporter Type 1 Deficiency Syndrome; GLUT1 deficiency syndrome 1; GLUT1 deficiency syndrome 1, infantile onset, severe. Identifiers: Orphanet 71277, MedGen C4551966, MONDO:0011724, OMIM 606777.

Allele frequency attached by ClinVar (database versions not stated): ESP Exome Variant Server 0.00023; gnomAD 0.00081 and 0.00137; gnomAD exomes 0.00136 and 0.00285; TOPMed 0.00137; ExAC 0.00299; 1000 Genomes Project 30x 0.00562; 1000 Genomes Project 0.00639.
gnomAD v4.1: 2,214 of 1,614,148 alleles (0.14%); highest among the groups gnomAD compares: East Asian, 4.1%; 43 homozygotes.

Submissions (13):

Labcorp Genetics (formerly Invitae), Labcorp
Classification: Benign for GLUT1 deficiency syndrome 1, autosomal recessive. Last evaluated: 2026-02-03. Review status: criteria provided, single submitter. Criteria: Invitae Variant Classification Sherloc (09022015). Collection method: clinical testing. Allele origin: germline.

Genome-Nilou Lab
Classification: Benign for Epilepsy, idiopathic generalized, susceptibility to, 12. Last evaluated: 2023-04-11. Review status: criteria provided, single submitter. Criteria: ACMG Guidelines, 2015. Collection method: clinical testing. Allele origin: germline. Affected: no.

Genome-Nilou Lab
Classification: Benign for Dystonia 9. Last evaluated: 2023-04-11. Review status: criteria provided, single submitter. Criteria: ACMG Guidelines, 2015. Collection method: clinical testing. Allele origin: germline. Affected: no.

Genome-Nilou Lab
Classification: Benign for Encephalopathy due to GLUT1 deficiency. Last evaluated: 2023-04-11. Review status: criteria provided, single submitter. Criteria: ACMG Guidelines, 2015. Collection method: clinical testing. Allele origin: germline. Affected: no.

Genome-Nilou Lab
Classification: Benign for Childhood onset GLUT1 deficiency syndrome 2. Last evaluated: 2023-04-11. Review status: criteria provided, single submitter. Criteria: ACMG Guidelines, 2015. Collection method: clinical testing. Allele origin: germline. Affected: no.

Genome-Nilou Lab
Classification: Benign for Hereditary cryohydrocytosis with reduced stomatin. Last evaluated: 2023-04-11. Review status: criteria provided, single submitter. Criteria: ACMG Guidelines, 2015. Collection method: clinical testing. Allele origin: germline. Affected: no.

Illumina Laboratory Services, Illumina
Classification: Benign for Dystonia 9. Last evaluated: 2018-01-12. Review status: criteria provided, single submitter. Criteria: ICSL Variant Classification Criteria 13 December 2019. Collection method: clinical testing. Allele origin: germline.
Comment: This variant was observed in the ICSL laboratory as part of a predisposition screen in an ostensibly healthy population. It had not been previously curated by ICSL or reported in the Human Gene Mutation Database (HGMD: prior to June 1st, 2018), and was therefore a candidate for classification through an automated scoring system. Utilizing variant allele frequency, disease prevalence and penetrance estimates, and inheritance mode, an automated score was calculated to assess if this variant is too frequent to cause the disease. Based on the score and internal cut-off values, a variant classified as benign is not then subjected to further curation. The score for this variant resulted in a classification of benign for this disease.

Illumina Laboratory Services, Illumina
Classification: Benign for Encephalopathy due to GLUT1 deficiency. Last evaluated: 2018-01-12. Review status: criteria provided, single submitter. Criteria: ICSL Variant Classification Criteria 13 December 2019. Collection method: clinical testing. Allele origin: germline.
Comment: the same text as in the submission from Illumina Laboratory Services, Illumina above.

Athena Diagnostics
Classification: Benign. Last evaluated: 2016-10-28. Review status: criteria provided, single submitter. Criteria: Athena Diagnostics Criteria. Collection method: clinical testing. Allele origin: germline.

Ambry Genetics
Classification: Benign for Inborn genetic diseases. Last evaluated: 2016-06-20. Review status: criteria provided, single submitter. Criteria: Ambry Variant Classification Scheme 2023. Collection method: clinical testing. Allele origin: germline.

Genetic Services Laboratory, University of Chicago
Classification: Benign. Last evaluated: 2016-02-08. Review status: criteria provided, single submitter. Criteria: ACMG Guidelines, 2015. Collection method: clinical testing. Allele origin: germline. Affected: no.

Eurofins Ntd Llc (ga)
Classification: Benign. Last evaluated: 2015-09-03. Review status: criteria provided, single submitter. Criteria: EGL Classification Definitions 2015. Collection method: clinical testing. Allele origin: germline. Observed: 1 variant allele, 1 heterozygote.

GeneDx
Classification: Benign. Last evaluated: 2013-03-21. Review status: criteria provided, single submitter. Criteria: GeneDx Variant Classification (06012015). Collection method: clinical testing. Allele origin: germline. Affected: yes.
Comment: This variant is considered likely benign or benign based on one or more of the following criteria: it is a conservative change, it occurs at a poorly conserved position in the protein, it is predicted to be benign by multiple in silico algorithms, and/or has population frequency not consistent with disease.

Literature cited by the submitters: PubMed 25914049 (cited by Athena Diagnostics).

NM_006516.4(SLC2A1):c.1170C>T (p.Ile390=)

Gene: SLC2A1 (solute carrier family 2 member 1; minus strand). Cytogenetic location: 1p34.2.
Variant type: single nucleotide variant.
Coding change: c.1170C>T on transcript NM_006516.4 (MANE Select); coding-DNA position 1170, C replaced by T.
Protein change: p.Ile390=; no amino-acid change (isoleucine 390 retained).
Molecular consequence: synonymous variant.
Genome position (GRCh38, 1-based): chr1:42,927,713, G>A on the plus strand (C>T on the coding strand, the complement: SLC2A1 is on the minus strand). VCF-style: chr1-42927713-G-A. GRCh37 (hg19) VCF-style: chr1-43393384-G-A.
Other names: p.I390I:ATC>ATT.
Identifiers: ClinVar variation 139166 (VCV000139166.27), dbSNP rs2236574, ClinGen allele CA019019.